The following is an entry in ClinVar:

NM_033100.4(CDHR1):c.2439T>C (p.Thr813=)

Gene: CDHR1 (cadherin related family member 1; plus strand). Cytogenetic location: 10q23.1.
Variant type: single nucleotide variant.
Coding change: c.2439T>C on transcript NM_033100.4 (MANE Select); coding-DNA position 2439, T replaced by C.
Protein change: p.Thr813=; no amino-acid change (threonine 813 retained).
Molecular consequence: synonymous variant. On other transcripts: intron variant (1).
Genome position (GRCh38, 1-based): chr10:84,214,480, T>C. VCF-style: chr10-84214480-T-C. GRCh37 (hg19) VCF-style: chr10-85974236-T-C.
Other names: c.2040+1132T>C (NM_001171971.3).
Identifiers: ClinVar variation 194794 (VCV000194794.26), dbSNP rs3814213, ClinGen allele CA201359.

ClinVar aggregate classification (germline): Benign. Review status: criteria provided, multiple submitters, no conflicts (2 of 4 stars). 8 submissions from 8 submitters: Benign (6). 2 of the submissions do not count toward it. Last evaluated 2026-02-03.

Conditions:
Cone-rod dystrophy 15 (CORD15). Identifiers: MedGen C3150912, MONDO:0013348, OMIM 613660.

Allele frequency attached by ClinVar (database versions not stated): 1000 Genomes Project 30x 0.57683; gnomAD 0.58250; TOPMed 0.60752; 1000 Genomes Project 0.57368; ESP Exome Variant Server 0.60487.
gnomAD v4.1: 850,713 of 1,608,950 alleles (53%); highest among the groups gnomAD compares: African/African-American, 79%; 228,762 homozygotes.

Submissions (8):

Labcorp Genetics (formerly Invitae), Labcorp
Classification: Benign. Last evaluated: 2026-02-03. Review status: criteria provided, single submitter. Criteria: Invitae Variant Classification Sherloc (09022015). Collection method: clinical testing. Allele origin: germline.

Genome-Nilou Lab
Classification: Benign for Cone-rod dystrophy 15. Last evaluated: 2021-07-14. Review status: criteria provided, single submitter. Criteria: ACMG Guidelines, 2015. Collection method: clinical testing. Allele origin: germline. Affected: no.

GeneDx
Classification: Benign. Last evaluated: 2018-04-26. Review status: criteria provided, single submitter. Criteria: GeneDx Variant Classification (06012015). Collection method: clinical testing. Allele origin: germline. Affected: yes.
Comment: This variant is considered likely benign or benign based on one or more of the following criteria: it is a conservative change, it occurs at a poorly conserved position in the protein, it is predicted to be benign by multiple in silico algorithms, and/or has population frequency not consistent with disease.

Eurofins Ntd Llc (ga)
Classification: Benign. Last evaluated: 2014-11-19. Review status: criteria provided, single submitter. Criteria: EGL Classification Definitions 2015. Collection method: clinical testing. Allele origin: germline. Observed: 4 variant alleles, 2 heterozygotes, 2 homozygotes.

Breakthrough Genomics
Classification: Benign. Review status: criteria provided, single submitter. Criteria: ACMG Guidelines, 2015. Collection method: not provided. Allele origin: germline. Inheritance: Autosomal recessive inheritance. Affected: yes.

PreventionGenetics, part of Exact Sciences
Classification: Benign. Review status: criteria provided, single submitter. Criteria: ACMG Guidelines, 2015. Collection method: clinical testing. Allele origin: germline.

Diagnostic Laboratory, Department of Genetics, University Medical Center Groningen
Classification: Benign. Review status: no assertion criteria provided. Collection method: clinical testing. Allele origin: germline. Affected: yes. Study: VKGL Data-share Consensus. Not counted in ClinVar's aggregate classification.

Joint Genome Diagnostic Labs from Nijmegen and Maastricht, Radboudumc and MUMC+
Classification: Benign. Review status: no assertion criteria provided. Collection method: clinical testing. Allele origin: germline. Affected: yes. Study: VKGL Data-share Consensus. Not counted in ClinVar's aggregate classification.